The following is an entry in ClinVar:

ClinVar aggregate classification (germline): Uncertain significance (1 of 4 stars; one submission).

Conditions:
SEMA3C-related disorder. Also called: SEMA3C-related condition.

gnomAD v4.1: 30 of 1,613,726 alleles (0.0019%); highest among the groups gnomAD compares: Admixed American, 0.0033%; no homozygotes.

Submission:

PreventionGenetics, part of Exact Sciences
Classification: Uncertain significance for SEMA3C-related condition. Last evaluated: 2025-12-23. Review status: criteria provided, single submitter. Criteria: ACMG Guidelines, 2015. Collection method: clinical testing. Allele origin: germline.
Comment: The SEMA3C c.2081C>T variant is predicted to result in the amino acid substitution p.Pro694Leu. To our knowledge, this variant has not been reported in the literature. This variant is reported in 0.0033% of alleles in individuals of South Asian descent in gnomAD. At this time, the clinical significance of this variant is uncertain due to the absence of conclusive functional and genetic evidence.

NM_006379.5(SEMA3C):c.2027C>T (p.Pro676Leu)

Gene: SEMA3C (semaphorin 3C; minus strand). Cytogenetic location: 7q21.11.
Variant type: single nucleotide variant.
Coding change: c.2027C>T on transcript NM_006379.5 (MANE Select); coding-DNA position 2027, C replaced by T.
Protein change: p.Pro676Leu; replaces proline 676 with leucine.
Molecular consequence: missense variant.
Genome position (GRCh38, 1-based): chr7:80,745,123, G>A on the plus strand (C>T on the coding strand, the complement: SEMA3C is on the minus strand). VCF-style: chr7-80745123-G-A. GRCh37 (hg19) VCF-style: chr7-80374439-G-A.
Other names: c.2081C>T, p.Pro694Leu (NM_001350120.2); c.1853C>T, p.Pro618Leu (NM_001350121.2); short protein forms P676L, P694L, P618L.
Identifiers: ClinVar variation 4989362 (VCV004989362.1).